The following is an entry in ClinVar:

ClinVar aggregate classification (germline): Uncertain significance (1 of 4 stars; one submission).

Allele frequency attached by ClinVar (database versions not stated): gnomAD 0.00001 and 0.00003; gnomAD exomes 0.00001 and 0.00002; ExAC 0.00002; TOPMed 0.00004.
gnomAD v4.1: 34 of 1,613,838 alleles (0.0021%); highest among the groups gnomAD compares: Non-Finnish European, 0.0027%; no homozygotes.

Submission:

Labcorp Genetics (formerly Invitae), Labcorp
Classification: Uncertain significance. Last evaluated: 2021-08-13. Review status: criteria provided, single submitter. Criteria: Invitae Variant Classification Sherloc (09022015). Collection method: clinical testing. Allele origin: germline.
Comment: This sequence change replaces glycine with arginine at codon 747 of the LAMC3 protein (p.Gly747Arg). The glycine residue is highly conserved and there is a moderate physicochemical difference between glycine and arginine. This variant is present in population databases (rs780724385, ExAC 0.01%). This variant has not been reported in the literature in individuals affected with LAMC3-related conditions. Algorithms developed to predict the effect of missense changes on protein structure and function (SIFT, PolyPhen-2, Align-GVGD) all suggest that this variant is likely to be disruptive. In summary, the available evidence is currently insufficient to determine the role of this variant in disease. Therefore, it has been classified as a Variant of Uncertain Significance.

NM_006059.4(LAMC3):c.2239G>C (p.Gly747Arg)

Gene: LAMC3 (laminin subunit gamma 3; plus strand). Cytogenetic location: 9q34.12.
Variant type: single nucleotide variant.
Coding change: c.2239G>C on transcript NM_006059.4 (MANE Select); coding-DNA position 2239, G replaced by C.
Protein change: p.Gly747Arg; replaces glycine 747 with arginine.
Molecular consequence: missense variant.
Genome position (GRCh38, 1-based): chr9:131,061,115, G>C. VCF-style: chr9-131061115-G-C. GRCh37 (hg19) VCF-style: chr9-133936502-G-C.
Other names: short protein forms G747R.
Identifiers: ClinVar variation 1349182 (VCV001349182.5), dbSNP rs780724385, ClinGen allele CA5287364.